The following is an entry in ClinVar:

NM_000238.4(KCNH2):c.683C>T (p.Ala228Val)

Gene: KCNH2 (potassium voltage-gated channel subfamily H member 2; minus strand). Cytogenetic location: 7q36.1.
Variant type: single nucleotide variant.
Coding change: c.683C>T on transcript NM_000238.4 (MANE Select); coding-DNA position 683, C replaced by T.
Protein change: p.Ala228Val; replaces alanine 228 with valine.
Molecular consequence: missense variant.
Genome position (GRCh38, 1-based): chr7:150,958,292, G>A on the plus strand (C>T on the coding strand, the complement: KCNH2 is on the minus strand). VCF-style: chr7-150958292-G-A. GRCh37 (hg19) VCF-style: chr7-150655380-G-A.
Other names: c.395C>T, p.Ala132Val (NM_001406753.1, NM_001406756.1); c.506C>T, p.Ala169Val (NM_001406755.1); c.383C>T, p.Ala128Val (NM_001406757.1); c.683C>T, p.Ala228Val (NM_172056.3); short protein forms A228V, A128V, A132V, A169V.
Identifiers: ClinVar variation 659941 (VCV000659941.7), dbSNP rs1184559298, ClinGen allele CA369862842.

ClinVar aggregate classification (germline): Uncertain significance (1 of 4 stars; one submission).

Conditions:
Long QT syndrome (LQTS). Identifiers: MedGen C0023976, MeSH D008133, MONDO:0002442. Disease mechanism: loss of function. Inheritance: Various modes of inheritance.

Allele frequency attached by ClinVar (database versions not stated): gnomAD exomes below 0.00001; TOPMed below 0.00001; gnomAD 0.00001.
gnomAD v4.1: 3 of 1,466,416 alleles (0.0002%); highest among the groups gnomAD compares: African/African-American, 0.0029%; no homozygotes.

Submission:

Labcorp Genetics (formerly Invitae), Labcorp
Classification: Uncertain significance for Long QT syndrome. Last evaluated: 2025-02-24. Review status: criteria provided, single submitter. Criteria: Invitae Variant Classification Sherloc (09022015). Collection method: clinical testing. Allele origin: germline.
Comment: This sequence change replaces alanine, which is neutral and non-polar, with valine, which is neutral and non-polar, at codon 228 of the KCNH2 protein (p.Ala228Val). This variant is present in population databases (no rsID available, gnomAD 0.01%). This variant has not been reported in the literature in individuals affected with KCNH2-related conditions. ClinVar contains an entry for this variant (Variation ID: 659941). An algorithm developed to predict the effect of missense changes on protein structure and function outputs the following: PolyPhen-2: "Benign". The valine amino acid residue is found in multiple mammalian species, which suggests that this missense change does not adversely affect protein function. In summary, the available evidence is currently insufficient to determine the role of this variant in disease. Therefore, it has been classified as a Variant of Uncertain Significance.